The following is an entry in ClinVar:

NM_019066.5(MAGEL2):c.1995C>G (p.Pro665=)

Gene: MAGEL2 (MAGE family member L2; minus strand). Cytogenetic location: 15q11.2.
Variant type: single nucleotide variant.
Coding change: c.1995C>G on transcript NM_019066.5 (MANE Select); coding-DNA position 1995, C replaced by G.
Protein change: p.Pro665=; no amino-acid change (proline 665 retained).
Molecular consequence: synonymous variant.
Genome position (GRCh38, 1-based): chr15:23,645,748, G>C on the plus strand (C>G on the coding strand, the complement: MAGEL2 is on the minus strand). VCF-style: chr15-23645748-G-C. GRCh37 (hg19) VCF-style: chr15-23890895-G-C.
Identifiers: ClinVar variation 2987381 (VCV002987381.9), dbSNP rs567654551, ClinGen allele CA7429982.

ClinVar aggregate classification (germline): Likely benign. Review status: criteria provided, multiple submitters, no conflicts (2 of 4 stars). 2 submissions from 2 submitters: Likely benign (2). Last evaluated 2025-10-01.

Allele frequency attached by ClinVar (database versions not stated): 1000 Genomes Project 30x 0.00016; ExAC 0.00016; 1000 Genomes Project 0.00020.
gnomAD v4.1: 35 of 1,574,554 alleles (0.0022%); highest among the groups gnomAD compares: South Asian, 0.039%; no homozygotes.

Submissions (2):

CeGaT Center for Human Genetics Tuebingen
Classification: Likely benign. Last evaluated: 2025-10-01. Review status: criteria provided, single submitter. Criteria: CeGaT Center For Human Genetics Tuebingen Variant Classification Criteria Version 2. Collection method: clinical testing. Allele origin: germline. Affected: yes. Observed: 1 variant allele.
Comment: MAGEL2: BP4, BP7

Labcorp Genetics (formerly Invitae), Labcorp
Classification: Likely benign. Last evaluated: 2025-07-30. Review status: criteria provided, single submitter. Criteria: Invitae Variant Classification Sherloc (09022015). Collection method: clinical testing. Allele origin: germline.